The following is an entry in ClinVar:

NM_032043.3(BRIP1):c.1629-498A>T

Gene: BRIP1 (BRCA1 interacting DNA helicase 1; minus strand). Cytogenetic location: 17q23.2.
Variant type: single nucleotide variant.
Coding change: c.1629-498A>T on transcript NM_032043.3 (MANE Select); 498 bases into the intron before coding-DNA position 1629, A replaced by T.
Molecular consequence: intron variant.
Genome position (GRCh38, 1-based): chr17:61,781,503, T>A on the plus strand (A>T on the coding strand, the complement: BRIP1 is on the minus strand). VCF-style: chr17-61781503-T-A. GRCh37 (hg19) VCF-style: chr17-59858864-T-A.
Identifiers: ClinVar variation 929541 (VCV000929541.5), dbSNP rs1203185416, ClinGen allele CA773808604.
Genomic context (GRCh38, chr17:61,781,503, plus strand): 5'-AAGGATAATTTTTACTGAAAGTTTTTAAAGTATTAGCAACAAGTTATAAAATTCTTACAT[T>A]CCTTTGAAACCTGAGTCTCAGCCTTCATCTACTTTTAATGAAGGTGCTGAACCAGATGAT-3'

ClinVar aggregate classification (germline): Conflicting classifications of pathogenicity. Review status: criteria provided, conflicting classifications (1 of 4 stars). 4 submissions from 4 submitters: Likely pathogenic (2); Uncertain significance (1). 1 of the submissions does not count toward it. Last evaluated 2025-05-19.

Conditions:
BRIP1-related disorder. Also called: BRIP1-related condition; BRIP1-related disorders. Identifiers: MedGen CN239206.
Hereditary cancer-predisposing syndrome. Also called: Hereditary neoplastic syndrome; Hereditary Cancer Syndrome; Neoplastic Syndromes, Hereditary; Tumor predisposition. Identifiers: Orphanet 140162, MedGen C0027672, MeSH D009386, MONDO:0015356.
Familial cancer of breast. Also called: Hereditary breast cancer; BREAST CANCER, FAMILIAL; hereditary breast carcinoma. Identifiers: Orphanet 227535, MedGen C0346153, MONDO:0016419, OMIM 114480. Disease mechanism: loss of function.
Fanconi anemia complementation group J. Also called: BRIP1-Related Fanconi Anemia. Identifiers: Orphanet 84, MedGen C1836860, MONDO:0012187, OMIM 609054.

Allele frequency attached by ClinVar (database versions not stated): TOPMed below 0.00001.

Submissions (4):

Ambry Genetics
Classification: Uncertain significance for Hereditary cancer-predisposing syndrome. Last evaluated: 2025-05-19. Review status: criteria provided, single submitter. Criteria: Ambry Variant Classification Scheme 2023. Collection method: clinical testing. Allele origin: germline.
Comment: The c.1629-498A>T intronic variant results from an A to T substitution 498 nucleotides upstream from coding exon 11 in the BRIP1 gene. This nucleotide position is well conserved in available vertebrate species. In silico splice site analysis predicts that this alteration may result in the creation or strengthening of a novel splice donor site. This variant has been identified likely in trans with a BRIP1 pathogenic variant in an individual diagnosed with Fanconi anemia of complementation group J (Levitus M et al. Nat Genet, 2005 Sep;37:934-5). Since supporting evidence is limited at this time, the clinical significance of this alteration remains unclear.

Blueprint Genetics
Classification: Likely pathogenic for BRIP1-related disorders. Last evaluated: 2018-08-22. Review status: criteria provided, single submitter. Criteria: ACMG Guidelines, 2015. Collection method: clinical testing. Allele origin: germline. Affected: yes. Observed: 1 variant allele.

Department of Pathology and Laboratory Medicine, Sinai Health System
Classification: Likely pathogenic for Familial cancer of breast; Fanconi anemia complementation group J. Review status: criteria provided, single submitter. Criteria: ACMG Guidelines, 2015. Collection method: clinical testing. Allele origin: germline.

Leiden Open Variation Database
Classification: Pathogenic for Fanconi anemia complementation group J. Last evaluated: 2011-02-07. Review status: no assertion criteria provided. Collection method: curation. Allele origin: germline. Affected: yes. Not counted in ClinVar's aggregate classification.
Comment: Curator: Arleen D. Auerbach. Submitter to LOVD: Arleen D. Auerbach.

Literature cited by the submitters: PubMed 16116423 (cited by Ambry Genetics and Leiden Open Variation Database); PubMed 16116424 (cited by Leiden Open Variation Database).